The following is an entry in ClinVar:

NM_201596.3(CACNB2):c.1489-8G>A

Gene: CACNB2 (calcium voltage-gated channel auxiliary subunit beta 2; plus strand). Cytogenetic location: 10p12.31.
Variant type: single nucleotide variant.
Coding change: c.1489-8G>A on transcript NM_201596.3 (MANE Select); 8 bases into the intron before coding-DNA position 1489, G replaced by A.
Molecular consequence: intron variant.
Genome position (GRCh38, 1-based): chr10:18,539,222, G>A. VCF-style: chr10-18539222-G-A. GRCh37 (hg19) VCF-style: chr10-18828151-G-A.
Other names: c.1405-8G>A (NM_201571.4); c.1291-8G>A (NM_001167945.2); c.1333-8G>A (NM_201572.4); c.1375-8G>A (NM_201593.3); c.1417-8G>A (NM_201597.3); c.1324-8G>A (NM_000724.4); c.1210-8G>A (NM_001330060.2); c.1327-8G>A (NM_201590.3); and 1 more.
Identifiers: ClinVar variation 390651 (VCV000390651.11), dbSNP rs557859826, ClinGen allele CA16606650.

ClinVar aggregate classification (germline): Likely benign. Review status: criteria provided, multiple submitters, no conflicts (2 of 4 stars). 2 submissions from 2 submitters: Likely benign (2). Last evaluated 2026-01-04.

Conditions:
Brugada syndrome 4 (BRGDA4). Identifiers: Orphanet 130, MedGen C2678477, MONDO:0012743, OMIM 611876.

Allele frequency attached by ClinVar (database versions not stated): TOPMed 0.00002; gnomAD 0.00010.
gnomAD v4.1: 19 of 1,613,746 alleles (0.0012%); highest among the groups gnomAD compares: African/African-American, 0.004%; no homozygotes.

Submissions (2):

Labcorp Genetics (formerly Invitae), Labcorp
Classification: Likely benign for Brugada syndrome 4. Last evaluated: 2026-01-04. Review status: criteria provided, single submitter. Criteria: Invitae Variant Classification Sherloc (09022015). Collection method: clinical testing. Allele origin: germline.

GeneDx
Classification: Likely benign. Last evaluated: 2016-11-07. Review status: criteria provided, single submitter. Criteria: GeneDx Variant Classification (06012015). Collection method: clinical testing. Allele origin: germline. Affected: yes.
Comment: This variant is considered likely benign or benign based on one or more of the following criteria: it is a conservative change, it occurs at a poorly conserved position in the protein, it is predicted to be benign by multiple in silico algorithms, and/or has population frequency not consistent with disease.